The following is an entry in ClinVar:

ClinVar aggregate classification (germline): Uncertain significance (1 of 4 stars; one submission).

Conditions:
Glycogen storage disease due to lactate dehydrogenase M-subunit deficiency (GSD11). Also called: Glycogen storage disease XI; GSD XI; LACTATE DEHYDROGENASE A DEFICIENCY. Identifiers: Orphanet 284426, MedGen C2931743, MONDO:0013047, OMIM 612933.

Allele frequency attached by ClinVar (database versions not stated): gnomAD exomes 0.00001.
gnomAD v4.1: 14 of 1,613,044 alleles (0.00087%); highest among the groups gnomAD compares: South Asian, 0.0077%; no homozygotes.

Submission:

Labcorp Genetics (formerly Invitae), Labcorp
Classification: Uncertain significance for Glycogen storage disease due to lactate dehydrogenase M-subunit deficiency. Last evaluated: 2022-06-12. Review status: criteria provided, single submitter. Criteria: Invitae Variant Classification Sherloc (09022015). Collection method: clinical testing. Allele origin: germline.
Comment: In summary, the available evidence is currently insufficient to determine the role of this variant in disease. Therefore, it has been classified as a Variant of Uncertain Significance. Algorithms developed to predict the effect of missense changes on protein structure and function are either unavailable or do not agree on the potential impact of this missense change (SIFT: "Tolerated"; PolyPhen-2: "Possibly Damaging"; Align-GVGD: "Class C0"). This variant has not been reported in the literature in individuals affected with LDHA-related conditions. This variant is present in population databases (rs754439498, gnomAD 0.02%). This sequence change replaces proline, which is neutral and non-polar, with arginine, which is basic and polar, at codon 129 of the LDHA protein (p.Pro129Arg).

NM_005566.4(LDHA):c.386C>G (p.Pro129Arg)

Gene: LDHA (lactate dehydrogenase A; plus strand). Cytogenetic location: 11p15.1.
Variant type: single nucleotide variant.
Coding change: c.386C>G on transcript NM_005566.4 (MANE Select); coding-DNA position 386, C replaced by G.
Protein change: p.Pro129Arg; replaces proline 129 with arginine.
Molecular consequence: missense variant. On other transcripts: non-coding transcript variant (1), intron variant (1).
Genome position (GRCh38, 1-based): chr11:18,400,978, C>G. VCF-style: chr11-18400978-C-G. GRCh37 (hg19) VCF-style: chr11-18422525-C-G.
Other names: c.473C>G, p.Pro158Arg (NM_001165414.2); c.386C>G, p.Pro129Arg (NM_001165415.2, NM_001165416.2); c.244+1430C>G (NM_001135239.2); short protein forms P129R, P158R.
Identifiers: ClinVar variation 1969308 (VCV001969308.5), dbSNP rs754439498, ClinGen allele CA5911275.
Genomic context (GRCh38, chr11:18,400,978, plus strand): 5'-TGGTCCAGCGTAACGTGAACATCTTTAAATTCATCATTCCTAATGTTGTAAAATACAGCC[C>G]GAACTGCAAGTTGCTTATTGTTTCAAATCCAGGTGAGGCTTTTGACTGCATAAAAATTGA-3'
Protein context (NP_005557.1, residues 119-139): FIIPNVVKYS[Pro129Arg]NCKLLIVSNP